The following is an entry in ClinVar:

ClinVar aggregate classification (germline): Benign/Likely benign. Review status: criteria provided, multiple submitters, no conflicts (2 of 4 stars). 4 submissions from 4 submitters: Benign (1); Likely benign (3). Last evaluated 2025-01-10.

Conditions:
Hereditary cancer-predisposing syndrome. Also called: Neoplastic Syndromes, Hereditary; Hereditary Cancer Syndrome; Hereditary neoplastic syndrome; Tumor predisposition. Identifiers: Orphanet 140162, MedGen C0027672, MeSH D009386, MONDO:0015356.
Familial cancer of breast. Also called: BREAST CANCER, FAMILIAL; Hereditary breast cancer; hereditary breast carcinoma. Identifiers: Orphanet 227535, MedGen C0346153, MONDO:0016419, OMIM 114480. Disease mechanism: loss of function.

Allele frequency attached by ClinVar (database versions not stated): TOPMed 0.00001; ESP Exome Variant Server 0.00008.
gnomAD v4.1: 1 of 1,614,180 alleles (0.000062%); highest among the groups gnomAD compares: Non-Finnish European, 0.000085%; no homozygotes.

Submissions (4):

Myriad Genetics, Inc.
Classification: Benign for Familial cancer of breast. Last evaluated: 2025-01-10. Review status: criteria provided, single submitter. Criteria: Myriad Autosomal Dominant, Autosomal Recessive and X-Linked Classification Criteria (2023). Collection method: clinical testing. Allele origin: unknown.
Comment: This variant is considered benign. This variant is a silent/synonymous amino acid change and it is not expected to impact splicing.

Labcorp Genetics (formerly Invitae), Labcorp
Classification: Likely benign for Familial cancer of breast. Last evaluated: 2024-12-02. Review status: criteria provided, single submitter. Criteria: Invitae Variant Classification Sherloc (09022015). Collection method: clinical testing. Allele origin: germline.

Ambry Genetics
Classification: Likely benign for Hereditary cancer-predisposing syndrome. Last evaluated: 2019-05-23. Review status: criteria provided, single submitter. Criteria: Ambry Variant Classification Scheme 2023. Collection method: clinical testing. Allele origin: germline.

Color Diagnostics, LLC DBA Color Health
Classification: Likely benign for Hereditary cancer-predisposing syndrome. Last evaluated: 2018-09-27. Review status: criteria provided, single submitter. Criteria: ACMG Guidelines, 2015. Collection method: clinical testing. Allele origin: germline.

NM_024675.4(PALB2):c.759A>G (p.Leu253=)

Gene: PALB2 (partner and localizer of BRCA2; minus strand). Cytogenetic location: 16p12.2.
Variant type: single nucleotide variant.
Coding change: c.759A>G on transcript NM_024675.4 (MANE Select); coding-DNA position 759, A replaced by G.
Protein change: p.Leu253=; no amino-acid change (leucine 253 retained).
Molecular consequence: synonymous variant.
Genome position (GRCh38, 1-based): chr16:23,635,787, T>C on the plus strand (A>G on the coding strand, the complement: PALB2 is on the minus strand). VCF-style: chr16-23635787-T-C. GRCh37 (hg19) VCF-style: chr16-23647108-T-C.
Identifiers: ClinVar variation 461021 (VCV000461021.19), dbSNP rs367842489, ClinGen allele CA7963761.